The following is an entry in ClinVar:

ClinVar aggregate classification (germline): Uncertain significance (1 of 4 stars; one submission).

Conditions:
Hereditary cancer-predisposing syndrome. Also called: Neoplastic Syndromes, Hereditary; Hereditary neoplastic syndrome; Tumor predisposition; Hereditary Cancer Syndrome. Identifiers: Orphanet 140162, MedGen C0027672, MeSH D009386, MONDO:0015356.
Cardiovascular phenotype. Identifiers: MedGen CN230736.

gnomAD v4.1: 1 of 1,570,950 alleles (0.000064%); highest among the groups gnomAD compares: Non-Finnish European, 0.000086%; no homozygotes.

Submission:

Ambry Genetics
Classification: Uncertain significance for Cardiovascular phenotype; Hereditary cancer-predisposing syndrome. Last evaluated: 2022-11-23. Review status: criteria provided, single submitter. Criteria: Ambry Variant Classification Scheme 2023. Collection method: clinical testing. Allele origin: germline.
Comment: The p.A15G variant (also known as c.44C>G), located in coding exon 1 of the LZTR1 gene, results from a C to G substitution at nucleotide position 44. The alanine at codon 15 is replaced by glycine, an amino acid with similar properties. This amino acid position is conserved. In addition, this alteration is predicted to be tolerated by in silico analysis. Since supporting evidence is limited at this time, the clinical significance of this alteration remains unclear.

NM_006767.4(LZTR1):c.44C>G (p.Ala15Gly)

Genes: LZTR1 (leucine zipper like post translational regulator 1; plus strand), LOC130067016 (ATAC-STARR-seq lymphoblastoid silent region 13504; plus strand). Cytogenetic location: 22q11.21.
Variant type: single nucleotide variant.
Coding change: c.44C>G on transcript NM_006767.4 (MANE Select); coding-DNA position 44, C replaced by G.
Protein change: p.Ala15Gly; replaces alanine 15 with glycine.
Molecular consequence: missense variant.
Genome position (GRCh38, 1-based): chr22:20,982,415, C>G. VCF-style: chr22-20982415-C-G. GRCh37 (hg19) VCF-style: chr22-21336704-C-G.
Other names: short protein forms A15G.
Identifiers: ClinVar variation 2496784 (VCV002496784.2), dbSNP rs2147956758, ClinGen allele CA410777523.